The following is an entry in ClinVar:

ClinVar aggregate classification (germline): Pathogenic (1 of 4 stars; one submission).

Conditions:
Polycystic kidney disease, adult type (PKD1). Also called: Polycystic Kidney Disease 1, Autosomal Dominant; Polycystic kidney disease 1; Polycystic kidney disease 1, severe; POLYCYSTIC KIDNEY DISEASE, ADULT, TYPE I; POLYCYSTIC KIDNEY DISEASE 1 WITH OR WITHOUT POLYCYSTIC LIVER DISEASE; Polycystic Kidney, Autosomal Dominant. Identifiers: MedGen C3149841, MONDO:0008263, OMIM 173900.

Submission:

ARUP Laboratories, Molecular Genetics and Genomics, ARUP Laboratories
Classification: Pathogenic for Polycystic kidney disease, adult type. Last evaluated: 2019-12-18. Review status: criteria provided, single submitter. Criteria: ARUP Molecular Germline Variant Investigation Process. Collection method: clinical testing. Allele origin: germline.
Comment: The PKD1 c.1199delG; p.Arg400fs variant, to our knowledge, is not reported in the medical literature or gene-specific databases. This variant is also absent from general population databases (Exome Variant Server, Genome Aggregation Database), indicating it is not a common polymorphism. This variant causes a frameshift by deleting a single nucleotide, so it is predicted to result in a truncated protein or mRNA subject to nonsense-mediated decay. Additionally, numerous downstream truncating variants have been described in individuals affected with autosomal dominant polycystic kidney disease (ADPKD) (Audrezet 2012, Rossetti 2007). Based on available information, the c.1199delG variant is considered to be pathogenic. References: Audrezet M et al. Autosomal dominant polycystic kidney disease: comprehensive mutation analysis of PKD1 and PKD2 in 700 unrelated patients. Hum Mutat. 2012 Aug;33(8):1239-50. Rossetti S et al. Comprehensive molecular diagnostics in autosomal dominant polycystic kidney disease. J Am Soc Nephrol. 2007 Jul;18(7):2143-60.

NM_001009944.3(PKD1):c.1199del (p.Arg400fs)

Gene: PKD1 (polycystin 1, transient receptor potential channel interacting; minus strand). Cytogenetic location: 16p13.3.
Variant type: Deletion.
Coding change: c.1199del on transcript NM_001009944.3 (MANE Select); coding-DNA position 1199, one base deleted (G; older notation c.1199delG).
Protein change: p.Arg400fs; shifts the reading frame from arginine 400.
Molecular consequence: frameshift variant.
Genome position (GRCh38, 1-based): chr16:2,117,793, C deleted on the plus strand (G on the coding strand, the reverse complement: PKD1 is on the minus strand). VCF-style (leftmost placement, unchanged base first): chr16-2117792-TC-T. GRCh37 (hg19) VCF-style: chr16-2167793-TC-T.
Other names: c.1199del, p.Arg400fs (NM_000296.4); short protein forms R400fs.
Identifiers: ClinVar variation 993874 (VCV000993874.8), dbSNP rs2092665134, ClinGen allele CA1139664400.
Genomic context (GRCh38, chr16:2,117,792, plus strand): 5'-AGGCTCTGCCCCATCTGGATGGCCCTGGGGAGGAAGGGGAGTGGGCAGCAGACACTCACC[TC>T]GGGCCGGCTCCTCGCCCAGGGCCACGATGCTGTAGGCGGCCTCCAGGCCTGAACCACCGC-3'